The following is an entry in ClinVar:

ClinVar aggregate classification (germline): Conflicting classifications of pathogenicity. Review status: criteria provided, conflicting classifications (1 of 4 stars). 11 submissions from 11 submitters: Uncertain significance (1); Likely benign (10). Last evaluated 2026-03-01.

Conditions:
Hereditary pancreatitis (PCTT). Also called: Hereditary chronic pancreatitis; PRSS1-Related Hereditary Pancreatitis. Identifiers: Orphanet 676, MedGen C0238339, MONDO:0008185, OMIM 167800.
Cystic fibrosis (CF). Also called: MUCOVISCIDOSIS. Identifiers: Orphanet 586, MedGen C0010674, MONDO:0009061, OMIM 219700. Disease mechanism: loss of function.

Allele frequency attached by ClinVar (database versions not stated): gnomAD 0.00014 and 0.00016; ESP Exome Variant Server 0.00015; ExAC 0.00026; TOPMed 0.00031; gnomAD exomes 0.00035; 1000 Genomes Project 0.00060; 1000 Genomes Project 30x 0.00062.
gnomAD v4.1: 366 of 1,613,018 alleles (0.023%); highest among the groups gnomAD compares: Middle Eastern, 0.27%; no homozygotes.

Submissions (11):

CeGaT Center for Human Genetics Tuebingen
Classification: Likely benign. Last evaluated: 2026-03-01. Review status: criteria provided, single submitter. Criteria: CeGaT Center For Human Genetics Tuebingen Variant Classification Criteria Version 2. Collection method: clinical testing. Allele origin: germline. Affected: yes. Observed: 6 variant alleles.
Comment: CFTR: BP4, BP7

Labcorp Genetics (formerly Invitae), Labcorp
Classification: Likely benign for Cystic fibrosis. Last evaluated: 2026-01-31. Review status: criteria provided, single submitter. Criteria: Invitae Variant Classification Sherloc (09022015). Collection method: clinical testing. Allele origin: germline.

Mayo Clinic Laboratories, Mayo Clinic
Classification: Likely benign. Last evaluated: 2025-12-15. Review status: criteria provided, single submitter. Criteria: ACMG Guidelines, 2015. Collection method: clinical testing. Allele origin: germline. Observed: 7 variant alleles.
Comment: BP4, BP7

Blueprint Genetics
Classification: Likely benign. Last evaluated: 2024-11-18. Review status: criteria provided, single submitter. Criteria: ACMG Guidelines, 2015. Collection method: clinical testing. Allele origin: germline.

Genome-Nilou Lab
Classification: Likely benign for Cystic fibrosis. Last evaluated: 2021-05-18. Review status: criteria provided, single submitter. Criteria: ACMG Guidelines, 2015. Collection method: clinical testing. Allele origin: germline. Affected: no.

Sema4
Classification: Likely benign for Hereditary pancreatitis. Last evaluated: 2021-03-03. Review status: criteria provided, single submitter. Criteria: Sema4 Curation Guidelines. Collection method: curation. Allele origin: germline.

ARUP Laboratories, Molecular Genetics and Genomics, ARUP Laboratories
Classification: Likely benign. Last evaluated: 2020-12-28. Review status: criteria provided, single submitter. Criteria: ARUP Molecular Germline Variant Investigation Process 2021. Collection method: clinical testing. Allele origin: germline.

Women's Health and Genetics/Laboratory Corporation of America, LabCorp
Classification: Likely benign. Last evaluated: 2020-11-12. Review status: criteria provided, single submitter. Criteria: LabCorp Variant Classification Summary - May 2015. Collection method: clinical testing. Allele origin: germline.

Quest Diagnostics Nichols Institute San Juan Capistrano
Classification: Likely benign. Last evaluated: 2020-04-13. Review status: criteria provided, single submitter. Criteria: Quest Diagnostics criteria. Collection method: clinical testing. Allele origin: unknown.

Eurofins Ntd Llc (ga)
Classification: Uncertain significance. Last evaluated: 2016-09-27. Review status: criteria provided, single submitter. Criteria: EGL Classification Definitions 2015. Collection method: clinical testing. Allele origin: germline. Observed: 1 variant allele, 1 heterozygote.

Ambry Genetics
Classification: Likely benign for Cystic fibrosis. Last evaluated: 2015-10-29. Review status: criteria provided, single submitter. Criteria: Ambry Variant Classification Scheme 2023. Collection method: clinical testing. Allele origin: germline.

Literature cited by the submitters: PubMed 31872980 (cited by Mayo Clinic Laboratories, Mayo Clinic and Sema4); PubMed 33572515 (cited by Mayo Clinic Laboratories, Mayo Clinic); PubMed 36409994 (cited by Mayo Clinic Laboratories, Mayo Clinic); PubMed 37628659 (cited by Mayo Clinic Laboratories, Mayo Clinic); PubMed 18687795 (cited by Women's Health and Genetics/Laboratory Corporation of America, LabCorp and Quest Diagnostics Nichols Institute San Juan Capistrano); PubMed 9254864 (cited by Women's Health and Genetics/Laboratory Corporation of America, LabCorp); PubMed 25735457 (cited by Women's Health and Genetics/Laboratory Corporation of America, LabCorp).

NM_000492.4(CFTR):c.2559T>C (p.Ile853=)

Gene: CFTR (CF transmembrane conductance regulator; plus strand). Cytogenetic location: 7q31.2.
Variant type: single nucleotide variant.
Coding change: c.2559T>C on transcript NM_000492.4 (MANE Select); coding-DNA position 2559, T replaced by C.
Protein change: p.Ile853=; no amino-acid change (isoleucine 853 retained).
Molecular consequence: synonymous variant.
Genome position (GRCh38, 1-based): chr7:117,594,998, T>C. VCF-style: chr7-117594998-T-C. GRCh37 (hg19) VCF-style: chr7-117235052-T-C.
Other names: p.Ile853=.
Identifiers: ClinVar variation 358732 (VCV000358732.66), dbSNP rs1800104, ClinGen allele CA4451225.